The following is an entry in ClinVar:

NM_002025.4(AFF2):c.3235G>A (p.Ala1079Thr)

Gene: AFF2 (ALF transcription elongation factor 2; plus strand). Cytogenetic location: Xq28.
Variant type: single nucleotide variant.
Coding change: c.3235G>A on transcript NM_002025.4 (MANE Select); coding-DNA position 3235, G replaced by A.
Protein change: p.Ala1079Thr; replaces alanine 1079 with threonine.
Molecular consequence: missense variant.
Genome position (GRCh38, 1-based): chrX:148,967,660, G>A. VCF-style: chrX-148967660-G-A. GRCh37 (hg19) VCF-style: chrX-148049190-G-A.
Other names: c.3130G>A, p.Ala1044Thr (NM_001169122.2, NM_001169124.2); c.3205G>A, p.Ala1069Thr (NM_001169123.2); c.3118G>A, p.Ala1040Thr (NM_001169125.2); c.2158G>A, p.Ala720Thr (NM_001170628.1); short protein forms A1040T, A1044T, A1069T, A1079T, A720T.
Identifiers: ClinVar variation 4540246 (VCV004540246.1).

ClinVar aggregate classification (germline): Uncertain significance (1 of 4 stars; one submission).

Submission:

GeneDx
Classification: Uncertain significance. Last evaluated: 2025-06-24. Review status: criteria provided, single submitter. Criteria: GeneDx Variant Classification Process June 2021. Collection method: clinical testing. Allele origin: germline. Affected: yes.
Comment: Not observed at significant frequency in large population cohorts (gnomAD); In silico analysis supports that this missense variant has a deleterious effect on protein structure/function; Has not been previously published as pathogenic or benign to our knowledge